The following is an entry in ClinVar:

ClinVar aggregate classification (germline): Conflicting classifications of pathogenicity. Review status: criteria provided, conflicting classifications (1 of 4 stars). 2 submissions from 2 submitters: Uncertain significance (1); Likely benign (1). Last evaluated 2024-11-11.

Conditions:
Autoimmune lymphoproliferative syndrome type 1. Also called: AUTOIMMUNE LYMPHOPROLIFERATIVE SYNDROME, TYPE I, AUTOSOMAL DOMINANT. Identifiers: Orphanet 3261, MedGen C2717884, MONDO:0011158, OMIM 601859.

Allele frequency attached by ClinVar (database versions not stated): gnomAD 0.00003 and 0.00004; gnomAD exomes 0.00006 and 0.00007; TOPMed 0.00006; ExAC 0.00007; ESP Exome Variant Server 0.00015.
gnomAD v4.1: 97 of 1,613,884 alleles (0.006%); highest among the groups gnomAD compares: Admixed American, 0.01%; no homozygotes.

Submissions (2):

Blueprint Genetics
Classification: Likely benign. Last evaluated: 2024-11-11. Review status: criteria provided, single submitter. Criteria: ACMG Guidelines, 2015. Collection method: clinical testing. Allele origin: germline.

Labcorp Genetics (formerly Invitae), Labcorp
Classification: Uncertain significance for Autoimmune lymphoproliferative syndrome. Last evaluated: 2023-10-03. Review status: criteria provided, single submitter. Criteria: Invitae Variant Classification Sherloc (09022015). Collection method: clinical testing. Allele origin: germline.
Comment: This sequence change falls in intron 2 of the FASLG gene. It does not directly change the encoded amino acid sequence of the FASLG protein. It affects a nucleotide within the consensus splice site. This variant is present in population databases (rs376383896, gnomAD 0.01%). This variant has not been reported in the literature in individuals affected with FASLG-related conditions. ClinVar contains an entry for this variant (Variation ID: 574003). Variants that disrupt the consensus splice site are a relatively common cause of aberrant splicing (PMID: 17576681, 9536098). Algorithms developed to predict the effect of sequence changes on RNA splicing suggest that this variant is not likely to affect RNA splicing. In summary, the available evidence is currently insufficient to determine the role of this variant in disease. Therefore, it has been classified as a Variant of Uncertain Significance.

Literature cited by the submitters: PubMed 17576681 (cited by Labcorp Genetics (formerly Invitae), Labcorp); PubMed 9536098 (cited by Labcorp Genetics (formerly Invitae), Labcorp).

NM_000639.3(FASLG):c.394+3G>A

Gene: FASLG (Fas ligand; plus strand). Cytogenetic location: 1q24.3.
Variant type: single nucleotide variant.
Coding change: c.394+3G>A on transcript NM_000639.3 (MANE Select); 3 bases into the intron after coding-DNA position 394, G replaced by A.
Molecular consequence: intron variant.
Genome position (GRCh38, 1-based): chr1:172,660,143, G>A. VCF-style: chr1-172660143-G-A. GRCh37 (hg19) VCF-style: chr1-172629283-G-A.
Other names: c.348+594G>A (NM_001302746.2).
Identifiers: ClinVar variation 574003 (VCV000574003.4), dbSNP rs376383896, ClinGen allele CA1247534.
Genomic context (GRCh38, chr1:172,660,143, plus strand): 5'-CTGTTTTACTAGTCTACCAGCCAGATGCACACAGCATCATCTTTGGAGAAGCAAATAGGT[G>A]AGTCTTTTTTCGCATGTACATTGAGTTCCCAAAGATGATCCTCAGCACAGAACTATGTTA-3'